The following is an entry in ClinVar:

ClinVar aggregate classification (germline): Uncertain significance (1 of 4 stars; one submission).

Conditions:
Hypertrophic cardiomyopathy. Also called: HYPERTROPHIC MYOCARDIOPATHY. Identifiers: Orphanet 217569, MedGen C0007194, MeSH D002312, MONDO:0005045, HP:0001639.

Submission:

Labcorp Genetics (formerly Invitae), Labcorp
Classification: Uncertain significance for Hypertrophic cardiomyopathy. Last evaluated: 2022-07-06. Review status: criteria provided, single submitter. Criteria: Invitae Variant Classification Sherloc (09022015). Collection method: clinical testing. Allele origin: germline.
Comment: In summary, the available evidence is currently insufficient to determine the role of this variant in disease. Therefore, it has been classified as a Variant of Uncertain Significance. Algorithms developed to predict the effect of sequence changes on RNA splicing suggest that this variant may create or strengthen a splice site. Algorithms developed to predict the effect of missense changes on protein structure and function are either unavailable or do not agree on the potential impact of this missense change (SIFT: "Deleterious"; PolyPhen-2: "Probably Damaging"; Align-GVGD: "Class C0"). ClinVar contains an entry for this variant (Variation ID: 1511366). This variant has not been reported in the literature in individuals affected with MYH7-related conditions. This variant is not present in population databases (gnomAD no frequency). This sequence change replaces glutamic acid, which is acidic and polar, with valine, which is neutral and non-polar, at codon 1886 of the MYH7 protein (p.Glu1886Val).

NM_000257.4(MYH7):c.5657A>T (p.Glu1886Val)

Gene: MYH7 (myosin heavy chain 7; minus strand). Cytogenetic location: 14q11.2.
Variant type: single nucleotide variant.
Coding change: c.5657A>T on transcript NM_000257.4 (MANE Select); coding-DNA position 5657, A replaced by T.
Protein change: p.Glu1886Val; replaces glutamic acid 1886 with valine.
Molecular consequence: missense variant.
Genome position (GRCh38, 1-based): chr14:23,413,892, T>A on the plus strand (A>T on the coding strand, the complement: MYH7 is on the minus strand). VCF-style: chr14-23413892-T-A. GRCh37 (hg19) VCF-style: chr14-23883101-T-A.
Other names: short protein forms E1886V.
Identifiers: ClinVar variation 1511366 (VCV001511366.8), dbSNP rs1314857358, ClinGen allele CA389034754.